The following is an entry in ClinVar:

ClinVar aggregate classification (germline): Pathogenic (1 of 4 stars; one submission).

Conditions:
Hereditary nonpolyposis colorectal neoplasms. Identifiers: MedGen C0009405, MeSH D003123.

Submission:

Labcorp Genetics (formerly Invitae), Labcorp
Classification: Pathogenic for Hereditary nonpolyposis colorectal neoplasms. Last evaluated: 2025-04-30. Review status: criteria provided, single submitter. Criteria: Invitae Variant Classification Sherloc (09022015). Collection method: clinical testing. Allele origin: germline.
Comment: This sequence change creates a premature translational stop signal (p.Leu659Valfs*2) in the MSH6 gene. It is expected to result in an absent or disrupted protein product. Loss-of-function variants in MSH6 are known to be pathogenic (PMID: 18269114, 24362816). This variant is not present in population databases (gnomAD no frequency). This variant has not been reported in the literature in individuals affected with MSH6-related conditions. For these reasons, this variant has been classified as Pathogenic.

Literature cited by the submitters: PubMed 18269114; PubMed 24362816.

NM_000179.3(MSH6):c.1974_1993del (p.Leu659fs)

Gene: MSH6 (mutS homolog 6; plus strand). Cytogenetic location: 2p16.3.
Variant type: Deletion.
Coding change: c.1974_1993del on transcript NM_000179.3 (MANE Select); coding-DNA positions 1974 to 1993, 20 bases deleted (GCTTAAAGGTATGACTTCAG).
Protein change: p.Leu659fs; shifts the reading frame from leucine 659.
Molecular consequence: frameshift variant. On other transcripts: non-coding transcript variant (5), intron variant (2).
Genome position (GRCh38, 1-based): chr2:47,799,957-47,799,976, GCTTAAAGGTATGACTTCAG deleted. VCF-style (leftmost placement, unchanged base first): chr2-47799956-TGCTTAAAGGTATGACTTCAG-T. GRCh37 (hg19) VCF-style: chr2-48027095-TGCTTAAAGGTATGACTTCAG-T.
Other names: c.1584_1603del, p.Leu529fs (NM_001281492.2); c.1068_1087del, p.Leu357fs (NM_001281493.2, NM_001281494.2, NM_001406811.1 and 6 more transcripts); c.2070_2089del, p.Leu691fs (NM_001406795.1, NM_001406802.1); c.1974_1993del, p.Leu659fs (NM_001406796.1, NM_001406798.1, NM_001406800.1 and 3 more transcripts); c.1677_1696del, p.Leu560fs (NM_001406797.1, NM_001406801.1, NM_001406805.1 and 10 more transcripts); c.1449_1468del, p.Leu484fs (NM_001406799.1, NM_001406806.1, NM_001406807.1); c.1896_1915del, p.Leu633fs (NM_001406804.1); c.1980_1999del, p.Leu661fs (NM_001406813.1); and 3 more; short protein forms L529fs, L633fs, L484fs, L603fs, L659fs, L661fs, L691fs, L357fs.
Identifiers: ClinVar variation 4718634 (VCV004718634.1).